The following is an entry in ClinVar:

NM_003238.6(TGFB2):c.236A>T (p.Gln79Leu)

Gene: TGFB2 (transforming growth factor beta 2; plus strand). Cytogenetic location: 1q41.
Variant type: single nucleotide variant.
Coding change: c.236A>T on transcript NM_003238.6 (MANE Select); coding-DNA position 236, A replaced by T.
Protein change: p.Gln79Leu; replaces glutamine 79 with leucine.
Molecular consequence: missense variant. On other transcripts: non-coding transcript variant (2).
Genome position (GRCh38, 1-based): chr1:218,346,937, A>T. VCF-style: chr1-218346937-A-T. GRCh37 (hg19) VCF-style: chr1-218520279-A-T.
Other names: c.236A>T, p.Gln79Leu (NM_001135599.4); short protein forms Q79L.
Identifiers: ClinVar variation 4881684 (VCV004881684.2).

ClinVar aggregate classification (germline): Uncertain significance (1 of 4 stars; one submission).

gnomAD v4.1: 1 of 1,614,148 alleles (0.000062%); highest among the groups gnomAD compares: Non-Finnish European, 0.000085%; no homozygotes.

Submission:

Dasa
Classification: Uncertain significance. Last evaluated: 2025-10-12. Review status: criteria provided, single submitter. Criteria: DASA Assertion Criteria. Collection method: clinical testing. Allele origin: germline.
Comment: NM_003238.6(TGFB2):c.236A>T (p.Gln79Leu) is a missense variant that results in the substitution of glutamine with leucine. This variant is rare in population databases. The currently available literature and clinical evidence are not sufficient to establish a definitive association between this variant and the reported condition. Therefore, this variant is classified as a variant of uncertain significance.